The following is an entry in ClinVar:

NM_198253.3(TERT):c.2689G>A (p.Val897Met)

Gene: TERT (telomerase reverse transcriptase; minus strand). Cytogenetic location: 5p15.33.
Variant type: single nucleotide variant.
Coding change: c.2689G>A on transcript NM_198253.3 (MANE Select); coding-DNA position 2689, G replaced by A.
Protein change: p.Val897Met; replaces valine 897 with methionine.
Molecular consequence: missense variant. On other transcripts: intron variant (1).
Genome position (GRCh38, 1-based): chr5:1,264,558, C>T on the plus strand (G>A on the coding strand, the complement: TERT is on the minus strand). VCF-style: chr5-1264558-C-T. GRCh37 (hg19) VCF-style: chr5-1264673-C-T.
Other names: c.2654+1906G>A (NM_001193376.3); short protein forms V897M.
Identifiers: ClinVar variation 539209 (VCV000539209.13), dbSNP rs559028617, ClinGen allele CA3184415.

ClinVar aggregate classification (germline): Conflicting classifications of pathogenicity. Review status: criteria provided, conflicting classifications (1 of 4 stars). 5 submissions from 5 submitters: Uncertain significance (3); Likely benign (2). Last evaluated 2025-12-01.

Conditions:
Dyskeratosis congenita. Identifiers: Orphanet 1775, MedGen C0265965, MONDO:0015780.
Dyskeratosis congenita, autosomal dominant 2. Identifiers: MedGen C3151443, MONDO:0013521, OMIM 613989.
Idiopathic Pulmonary Fibrosis. Also called: Idiopathic fibrosing alveolitis, chronic form; idiopathic fibrosing alveolitis. Identifiers: Orphanet 2032, MedGen C1800706, MeSH D054990, MONDO:0800504.
TERT-related disorder. Also called: TERT-related condition; TERT-related disorders.

Allele frequency attached by ClinVar (database versions not stated): 1000 Genomes Project 0.00020; gnomAD 0.00001 and 0.00002; TOPMed 0.00002; 1000 Genomes Project 30x 0.00016.

Submissions (5):

Labcorp Genetics (formerly Invitae), Labcorp
Classification: Likely benign for Dyskeratosis congenita, autosomal dominant 2; Idiopathic Pulmonary Fibrosis. Last evaluated: 2025-12-01. Review status: criteria provided, single submitter. Criteria: Invitae Variant Classification Sherloc (09022015). Collection method: clinical testing. Allele origin: germline.

GeneDx
Classification: Uncertain significance. Last evaluated: 2025-07-01. Review status: criteria provided, single submitter. Criteria: GeneDx Variant Classification Process June 2021. Collection method: clinical testing. Allele origin: germline. Affected: yes.
Comment: In silico analysis suggests that this missense variant does not alter protein structure/function; Has not been previously published as pathogenic or benign to our knowledge; This variant is associated with the following publications: (PMID: 28677271)

Ambry Genetics
Classification: Likely benign for Dyskeratosis congenita. Last evaluated: 2025-04-22. Review status: criteria provided, single submitter. Criteria: Ambry Variant Classification Scheme 2023. Collection method: clinical testing. Allele origin: germline.

PreventionGenetics, part of Exact Sciences
Classification: Uncertain significance for TERT-related condition. Last evaluated: 2023-08-09. Review status: criteria provided, single submitter. Criteria: ACMG Guidelines, 2015. Collection method: clinical testing. Allele origin: germline.
Comment: The TERT c.2689G>A variant is predicted to result in the amino acid substitution p.Val897Met. To our knowledge, this variant has not been reported in the literature. This variant is reported in 0.0056% of alleles in individuals of East Asian descent in gnomAD. It is interpreted as likely benign in ClinVar. At this time, the clinical significance of this variant is uncertain due to the absence of conclusive functional and genetic evidence.

Blueprint Genetics
Classification: Uncertain significance. Last evaluated: 2021-04-06. Review status: criteria provided, single submitter. Criteria: ACMG Guidelines, 2015. Collection method: clinical testing. Allele origin: germline.